The following is an entry in ClinVar:

ClinVar aggregate classification (germline): Uncertain significance (1 of 4 stars; one submission).

Submission:

Labcorp Genetics (formerly Invitae), Labcorp
Classification: Uncertain significance. Last evaluated: 2025-08-29. Review status: criteria provided, single submitter. Criteria: Invitae Variant Classification Sherloc (09022015). Collection method: clinical testing. Allele origin: germline.
Comment: This variant, c.1978_1980del, results in the deletion of 1 amino acid(s) of the FAM186B protein (p.Lys660del), but otherwise preserves the integrity of the reading frame. This variant is present in population databases (rs777861400, gnomAD 0.01%). This variant has not been reported in the literature in individuals affected with FAM186B-related conditions. Experimental studies and prediction algorithms are not available or were not evaluated, and the functional significance of this variant is currently unknown. In summary, the available evidence is currently insufficient to determine the role of this variant in disease. Therefore, it has been classified as a Variant of Uncertain Significance.

NM_032130.3(FAM186B):c.1972AAG[2] (p.Lys660del)

Gene: FAM186B (family with sequence similarity 186 member B; minus strand). Cytogenetic location: 12q13.12.
Variant type: Microsatellite.
Coding change: c.1972AAG[2] on transcript NM_032130.3 (MANE Select); two copies in a row of the 3-base unit AAG starting at c.1972; the reference has three copies in a row; one copy, 3 bases deleted.
Protein change: p.Lys660del; deletes lysine 660.
Molecular consequence: inframe deletion. On other transcripts: non-coding transcript variant (1).
Genome position (GRCh38, 1-based): chr12:49,599,660-49,599,662, CTT deleted on the plus strand (AAG on the coding strand, the reverse complement: FAM186B is on the minus strand); deleting any 3 consecutive bases within chr12:49,599,660-49,599,668 gives the same sequence; the position shown is the placement nearest the transcript's 3' end. VCF-style (leftmost placement, unchanged base first): chr12-49599659-CCTT-C. GRCh37 (hg19) VCF-style: chr12-49993442-CCTT-C.
Other names: short protein forms K660del.
Identifiers: ClinVar variation 2419390 (VCV002419390.6), dbSNP rs777861400, ClinGen allele CA6554586.